The following is an entry in ClinVar:

ClinVar aggregate classification (germline): Likely benign. Review status: criteria provided, multiple submitters, no conflicts (2 of 4 stars). 3 submissions from 3 submitters: Likely benign (3). Last evaluated 2026-08-01.

Allele frequency attached by ClinVar (database versions not stated): ExAC 0.00001; gnomAD 0.00001; gnomAD exomes 0.00001.
gnomAD v4.1: 18 of 1,613,966 alleles (0.0011%); highest among the groups gnomAD compares: Middle Eastern, 0.016%; no homozygotes.

Submissions (3):

CeGaT Center for Human Genetics Tuebingen
Classification: Likely benign. Last evaluated: 2026-08-01. Review status: criteria provided, single submitter. Criteria: CeGaT Center For Human Genetics Tuebingen Variant Classification Criteria Version 2. Collection method: clinical testing. Allele origin: germline. Affected: yes. Observed: 1 variant allele.
Comment: SETBP1: BP4, BP7

Labcorp Genetics (formerly Invitae), Labcorp
Classification: Likely benign. Last evaluated: 2025-08-19. Review status: criteria provided, single submitter. Criteria: Invitae Variant Classification Sherloc (09022015). Collection method: clinical testing. Allele origin: germline.

Blueprint Genetics
Classification: Likely benign. Last evaluated: 2024-09-02. Review status: criteria provided, single submitter. Criteria: ACMG Guidelines, 2015. Collection method: clinical testing. Allele origin: germline.

NM_015559.3(SETBP1):c.765G>A (p.Glu255=)

Gene: SETBP1 (SET binding protein 1; plus strand). Cytogenetic location: 18q12.3.
Variant type: single nucleotide variant.
Coding change: c.765G>A on transcript NM_015559.3 (MANE Select); coding-DNA position 765, G replaced by A.
Protein change: p.Glu255=; no amino-acid change (glutamic acid 255 retained).
Molecular consequence: synonymous variant.
Genome position (GRCh38, 1-based): chr18:44,950,105, G>A. VCF-style: chr18-44950105-G-A. GRCh37 (hg19) VCF-style: chr18-42530070-G-A.
Other names: c.765G>A, p.Glu255= (NM_001379141.1, NM_001379142.1).
Identifiers: ClinVar variation 1608366 (VCV001608366.10), dbSNP rs766021423, ClinGen allele CA8945496.